The following is an entry in ClinVar:

NM_000260.4(MYO7A):c.2802T>G (p.His934Gln)

Gene: MYO7A (myosin VIIA; plus strand). Cytogenetic location: 11q13.5.
Variant type: single nucleotide variant.
Coding change: c.2802T>G on transcript NM_000260.4 (MANE Select); coding-DNA position 2802, T replaced by G.
Protein change: p.His934Gln; replaces histidine 934 with glutamine.
Molecular consequence: missense variant.
Genome position (GRCh38, 1-based): chr11:77,181,487, T>G. VCF-style: chr11-77181487-T-G. GRCh37 (hg19) VCF-style: chr11-76892533-T-G.
Other names: c.2802T>G, p.His934Gln (NM_001127180.2); c.2769T>G, p.His923Gln (NM_001369365.1); short protein forms H923Q, H934Q.
Identifiers: ClinVar variation 2147087 (VCV002147087.3), dbSNP rs543448239, ClinGen allele CA6197938.

ClinVar aggregate classification (germline): Uncertain significance (1 of 4 stars; one submission).

Allele frequency attached by ClinVar (database versions not stated): gnomAD 0.00001; gnomAD exomes 0.00001; ExAC 0.00006; 1000 Genomes Project 30x 0.00016; 1000 Genomes Project 0.00020.

Submission:

Labcorp Genetics (formerly Invitae), Labcorp
Classification: Uncertain significance. Last evaluated: 2024-10-21. Review status: criteria provided, single submitter. Criteria: Invitae Variant Classification Sherloc (09022015). Collection method: clinical testing. Allele origin: germline.
Comment: This sequence change replaces histidine, which is basic and polar, with glutamine, which is neutral and polar, at codon 934 of the MYO7A protein (p.His934Gln). This variant is present in population databases (rs543448239, gnomAD 0.02%). This variant has not been reported in the literature in individuals affected with MYO7A-related conditions. ClinVar contains an entry for this variant (Variation ID: 2147087). Invitae Evidence Modeling of protein sequence and biophysical properties (such as structural, functional, and spatial information, amino acid conservation, physicochemical variation, residue mobility, and thermodynamic stability) indicates that this missense variant is not expected to disrupt MYO7A protein function with a negative predictive value of 95%. In summary, the available evidence is currently insufficient to determine the role of this variant in disease. Therefore, it has been classified as a Variant of Uncertain Significance.